The following is an entry in ClinVar:

ClinVar aggregate classification (germline): Conflicting classifications of pathogenicity. Review status: criteria provided, conflicting classifications (1 of 4 stars). 4 submissions from 4 submitters: Uncertain significance (3); Likely benign (1). Last evaluated 2026-01-25.

Conditions:
Pulmonary fibrosis and/or bone marrow failure, Telomere-related, 3. Also called: PULMONARY FIBROSIS AND/OR BONE MARROW FAILURE SYNDROME, TELOMERE-RELATED, 3. Identifiers: Orphanet 2032, MedGen C4225346, MONDO:0014613, OMIM 616373.
Dyskeratosis congenita, autosomal recessive 5 (DKCB5). Identifiers: MedGen C3554656, MONDO:0014076, OMIM 615190.
Inborn genetic diseases. Identifiers: MedGen C0950123, MeSH D030342.

Allele frequency attached by ClinVar (database versions not stated): gnomAD 0.00004; TOPMed 0.00005; 1000 Genomes Project 30x 0.00031; 1000 Genomes Project 0.00040.
gnomAD v4.1: 162 of 1,573,550 alleles (0.01%); highest among the groups gnomAD compares: East Asian, 0.15%; no homozygotes.

Submissions (4):

Labcorp Genetics (formerly Invitae), Labcorp
Classification: Uncertain significance for Dyskeratosis congenita, autosomal recessive 5; Pulmonary fibrosis and/or bone marrow failure, Telomere-related, 3. Last evaluated: 2026-01-25. Review status: criteria provided, single submitter. Criteria: Invitae Variant Classification Sherloc (09022015). Collection method: clinical testing. Allele origin: germline.
Comment: This sequence change replaces threonine, which is neutral and polar, with methionine, which is neutral and non-polar, at codon 1000 of the RTEL1 protein (p.Thr1000Met). This variant is present in population databases (rs201560152, gnomAD 0.1%). This variant has not been reported in the literature in individuals affected with RTEL1-related conditions. This variant is also known as c.3071C>T (p.Thr1024Met). ClinVar contains an entry for this variant (Variation ID: 967888). An algorithm developed to predict the effect of missense changes on protein structure and function outputs the following: PolyPhen-2: "Benign". The methionine amino acid residue is found in multiple mammalian species, which suggests that this missense change does not adversely affect protein function. In summary, the available evidence is currently insufficient to determine the role of this variant in disease. Therefore, it has been classified as a Variant of Uncertain Significance.

GeneDx
Classification: Uncertain significance. Last evaluated: 2024-08-15. Review status: criteria provided, single submitter. Criteria: GeneDx Variant Classification Process June 2021. Collection method: clinical testing. Allele origin: germline. Affected: yes.
Comment: In silico analysis indicates that this missense variant does not alter protein structure/function; Has not been previously published as pathogenic or benign to our knowledge

Ambry Genetics
Classification: Likely benign for Inborn genetic diseases. Last evaluated: 2023-09-26. Review status: criteria provided, single submitter. Criteria: Ambry Variant Classification Scheme 2023. Collection method: clinical testing. Allele origin: germline.

Revvity Omics, Revvity
Classification: Uncertain significance. Last evaluated: 2022-03-09. Review status: criteria provided, single submitter. Criteria: ACMG Guidelines, 2015. Collection method: clinical testing. Allele origin: germline.

NM_001283009.2(RTEL1):c.2999C>T (p.Thr1000Met)

Genes: RTEL1 (regulator of telomere elongation helicase 1; plus strand), RTEL1-TNFRSF6B (RTEL1-TNFRSF6B readthrough (NMD candidate); plus strand). Cytogenetic location: 20q13.33.
Variant type: single nucleotide variant.
Coding change: c.2999C>T on transcript NM_001283009.2 (MANE Select); coding-DNA position 2999, C replaced by T.
Protein change: p.Thr1000Met; replaces threonine 1000 with methionine.
Molecular consequence: missense variant. On other transcripts: non-coding transcript variant (1).
Genome position (GRCh38, 1-based): chr20:63,694,378, C>T. VCF-style: chr20-63694378-C-T. GRCh37 (hg19) VCF-style: chr20-62325731-C-T.
Other names: c.2330C>T, p.Thr777Met (NM_001283010.1); c.2999C>T, p.Thr1000Met (NM_016434.4); c.3071C>T, p.Thr1024Met (NM_032957.5); short protein forms T777M, T1000M, T1024M.
Identifiers: ClinVar variation 967888 (VCV000967888.13), dbSNP rs201560152, ClinGen allele CA9965788.